The following is an entry in ClinVar:

NM_152703.5(SAMD9L):c.4193A>G (p.Lys1398Arg)

Gene: SAMD9L (sterile alpha motif domain containing 9 like; minus strand). Cytogenetic location: 7q21.2.
Variant type: single nucleotide variant.
Coding change: c.4193A>G on transcript NM_152703.5 (MANE Select); coding-DNA position 4193, A replaced by G.
Protein change: p.Lys1398Arg; replaces lysine 1398 with arginine.
Molecular consequence: missense variant.
Genome position (GRCh38, 1-based): chr7:93,131,779, T>C on the plus strand (A>G on the coding strand, the complement: SAMD9L is on the minus strand). VCF-style: chr7-93131779-T-C. GRCh37 (hg19) VCF-style: chr7-92761092-T-C.
Other names: c.4193A>G (NM_152703.2); c.4193A>G, p.Lys1398Arg (NM_001303496.3, NM_001303497.3, NM_001303498.3 and 5 more transcripts); short protein forms K1398R.
Identifiers: ClinVar variation 2849153 (VCV002849153.4), dbSNP rs769206388, ClinGen allele CA368175977.

ClinVar aggregate classification (germline): Conflicting classifications of pathogenicity. Review status: criteria provided, conflicting classifications (1 of 4 stars). 2 submissions from 2 submitters: Uncertain significance (1); Likely benign (1). Last evaluated 2025-01-06.

Conditions:
Inborn genetic diseases. Identifiers: MedGen C0950123, MeSH D030342.

Allele frequency attached by ClinVar (database versions not stated): TOPMed 0.00001.
gnomAD v4.1: 2 of 1,613,516 alleles (0.00012%); highest among the groups gnomAD compares: Non-Finnish European, 0.00017%; no homozygotes.

Submissions (2):

Ambry Genetics
Classification: Likely benign for Inborn genetic diseases. Last evaluated: 2025-01-06. Review status: criteria provided, single submitter. Criteria: Ambry Variant Classification Scheme 2023. Collection method: clinical testing. Allele origin: germline.

Labcorp Genetics (formerly Invitae), Labcorp
Classification: Uncertain significance. Last evaluated: 2023-04-04. Review status: criteria provided, single submitter. Criteria: Invitae Variant Classification Sherloc (09022015). Collection method: clinical testing. Allele origin: germline.
Comment: In summary, the available evidence is currently insufficient to determine the role of this variant in disease. Therefore, it has been classified as a Variant of Uncertain Significance. This sequence change replaces lysine, which is basic and polar, with arginine, which is basic and polar, at codon 1398 of the SAMD9L protein (p.Lys1398Arg). This variant is not present in population databases (gnomAD no frequency). This variant has not been reported in the literature in individuals affected with SAMD9L-related conditions. Advanced modeling of protein sequence and biophysical properties (such as structural, functional, and spatial information, amino acid conservation, physicochemical variation, residue mobility, and thermodynamic stability) performed at Invitae indicates that this missense variant is not expected to disrupt SAMD9L protein function.